The following is an entry in ClinVar:

NM_003482.4(KMT2D):c.14925dup (p.Pro4976fs)

Gene: KMT2D (lysine methyltransferase 2D; minus strand). Cytogenetic location: 12q13.12.
Variant type: Duplication.
Coding change: c.14925dup on transcript NM_003482.4 (MANE Select); coding-DNA position 14925, one base duplicated (T; older notation c.14925dupT).
Protein change: p.Pro4976fs; shifts the reading frame from proline 4976.
Molecular consequence: frameshift variant.
Genome position (GRCh38, 1-based): chr12:49,027,041, A duplicated on the plus strand (T on the coding strand, the reverse complement: KMT2D is on the minus strand). VCF-style (leftmost placement, unchanged base first): chr12-49027040-G-GA. GRCh37 (hg19) VCF-style: chr12-49420823-G-GA.
Other names: short protein forms P4976fs.
Identifiers: ClinVar variation 2027463 (VCV002027463.4), dbSNP rs2499038919, ClinGen allele CA2580085724.

ClinVar aggregate classification (germline): Pathogenic (1 of 4 stars; one submission).

Conditions:
Kabuki syndrome. Also called: NIIKAWA-KUROKI SYNDROME; Kabuki make-up syndrome. Identifiers: Orphanet 2322, MedGen C0796004, MONDO:0016512.

Submission:

Labcorp Genetics (formerly Invitae), Labcorp
Classification: Pathogenic for Kabuki syndrome. Last evaluated: 2022-09-14. Review status: criteria provided, single submitter. Criteria: Invitae Variant Classification Sherloc (09022015). Collection method: clinical testing. Allele origin: germline.
Comment: This sequence change creates a premature translational stop signal (p.Pro4976Serfs*31) in the KMT2D gene. It is expected to result in an absent or disrupted protein product. Loss-of-function variants in KMT2D are known to be pathogenic (PMID: 22126750). This variant is not present in population databases (gnomAD no frequency). This variant has not been reported in the literature in individuals affected with KMT2D-related conditions. For these reasons, this variant has been classified as Pathogenic.

Literature cited by the submitters: PubMed 22126750.